The following is an entry in ClinVar:

ClinVar aggregate classification (germline): Uncertain significance (1 of 4 stars; one submission).

Conditions:
Walker-Warburg congenital muscular dystrophy. Also called: Muscular dystrophy-dystroglycanopathy, type A; Walker-Warburg syndrome. Identifiers: Orphanet 899, MedGen C0265221, MONDO:0000171.

gnomAD v4.1: 5 of 1,613,036 alleles (0.00031%); highest among the groups gnomAD compares: South Asian, 0.0033%; no homozygotes.

Submission:

Labcorp Genetics (formerly Invitae), Labcorp
Classification: Uncertain significance for Walker-Warburg congenital muscular dystrophy. Last evaluated: 2024-07-29. Review status: criteria provided, single submitter. Criteria: Invitae Variant Classification Sherloc (09022015). Collection method: clinical testing. Allele origin: germline.
Comment: This sequence change replaces proline, which is neutral and non-polar, with threonine, which is neutral and polar, at codon 484 of the FKRP protein (p.Pro484Thr). This variant is present in population databases (no rsID available, gnomAD 0.003%). This variant has not been reported in the literature in individuals affected with FKRP-related conditions. Advanced modeling of protein sequence and biophysical properties (such as structural, functional, and spatial information, amino acid conservation, physicochemical variation, residue mobility, and thermodynamic stability) performed at Invitae indicates that this missense variant is expected to disrupt FKRP protein function with a positive predictive value of 95%. In summary, the available evidence is currently insufficient to determine the role of this variant in disease. Therefore, it has been classified as a Variant of Uncertain Significance.

NM_024301.5(FKRP):c.1450C>A (p.Pro484Thr)

Gene: FKRP (fukutin related protein; plus strand). Cytogenetic location: 19q13.32.
Variant type: single nucleotide variant.
Coding change: c.1450C>A on transcript NM_024301.5 (MANE Select); coding-DNA position 1450, C replaced by A.
Protein change: p.Pro484Thr; replaces proline 484 with threonine.
Molecular consequence: missense variant.
Genome position (GRCh38, 1-based): chr19:46,756,900, C>A. VCF-style: chr19-46756900-C-A. GRCh37 (hg19) VCF-style: chr19-47260157-C-A.
Other names: c.1450C>A, p.Pro484Thr (NM_001039885.3); short protein forms P484T.
Identifiers: ClinVar variation 3718804 (VCV003718804.2).